The following is an entry in ClinVar:

NM_002381.5(MATN3):c.1169-6G>A

Genes: WDR35-DT (WDR35 divergent transcript; plus strand), MATN3 (matrilin 3; minus strand). Cytogenetic location: 2p24.1.
Variant type: single nucleotide variant.
Coding change: c.1169-6G>A on transcript NM_002381.5 (MANE Select); 6 bases into the intron before coding-DNA position 1169, G replaced by A.
Molecular consequence: intron variant.
Genome position (GRCh38, 1-based): chr2:19,997,265, C>T on the plus strand (G>A on the coding strand, the complement: MATN3 is on the minus strand). VCF-style: chr2-19997265-C-T. GRCh37 (hg19) VCF-style: chr2-20197026-C-T.
Identifiers: ClinVar variation 2072123 (VCV002072123.4), dbSNP rs779296819, ClinGen allele CA1543776.
Genomic context (GRCh38, chr2:19,997,265, plus strand): 5'-TCACTCACACAAATGTGCTGGCAACCATGAGAGCCTAGGGCACACTTGTCACGGACTGAC[C>T]GCACGTGGTGCAGGAAAGAAAATATTCACACATTAAATAGAAAAGTAAACACAAATGTTT-3'

ClinVar aggregate classification (germline): Uncertain significance (1 of 4 stars; one submission).

Allele frequency attached by ClinVar (database versions not stated): TOPMed 0.00002; ExAC 0.00008; gnomAD 0.00002; gnomAD exomes 0.00002.
gnomAD v4.1: 31 of 1,597,166 alleles (0.0019%); highest among the groups gnomAD compares: Middle Eastern, 0.033%; no homozygotes.

Submission:

Labcorp Genetics (formerly Invitae), Labcorp
Classification: Uncertain significance. Last evaluated: 2025-11-10. Review status: criteria provided, single submitter. Criteria: Invitae Variant Classification Sherloc (09022015). Collection method: clinical testing. Allele origin: germline.
Comment: This sequence change falls in intron 5 of the MATN3 gene. It does not directly change the encoded amino acid sequence of the MATN3 protein. This variant is present in population databases (rs779296819, gnomAD 0.007%). This variant has not been reported in the literature in individuals affected with MATN3-related conditions. ClinVar contains an entry for this variant (Variation ID: 2072123). Algorithms developed to predict the effect of sequence changes on RNA splicing suggest that this variant may disrupt the consensus splice site. In summary, the available evidence is currently insufficient to determine the role of this variant in disease. Therefore, it has been classified as a Variant of Uncertain Significance.